The following is an entry in ClinVar:

NM_015158.5(KANK1):c.1039A>C (p.Ile347Leu)

Gene: KANK1 (KN motif and ankyrin repeat domains 1; plus strand). Cytogenetic location: 9p24.3.
Variant type: single nucleotide variant.
Coding change: c.1039A>C on transcript NM_015158.5 (MANE Select); coding-DNA position 1039, A replaced by C.
Protein change: p.Ile347Leu; replaces isoleucine 347 with leucine.
Molecular consequence: missense variant. On other transcripts: non-coding transcript variant (1).
Genome position (GRCh38, 1-based): chr9:711,805, A>C. VCF-style: chr9-711805-A-C. GRCh37 (hg19) VCF-style: chr9-711805-A-C.
Other names: c.1039A>C, p.Ile347Leu (NM_001256876.3, NM_001256877.3, NM_001354331.2 and 2 more transcripts); c.565A>C, p.Ile189Leu (NM_001354333.2, NM_001354335.2, NM_001354336.2 and 9 more transcripts); short protein forms I189L, I347L.
Identifiers: ClinVar variation 1992895 (VCV001992895.4), dbSNP rs1171621291, ClinGen allele CA372747377.
Genomic context (GRCh38, chr9:711,805, plus strand): 5'-GGGAACGCCTCCCAGCTGGAACAGCTCTCCCGGGCCCGAAGAAGTGGCGGGGAATTATAC[A>C]TTGACTATGAGGAGGAAGAAATGGAGACCGTAGAACAGAGCACGCAGAGGATAAAGGAGT-3'
Protein context (NP_055973.2, residues 337-357): RARRSGGELY[Ile347Leu]DYEEEEMETV

ClinVar aggregate classification (germline): Uncertain significance (1 of 4 stars; one submission).

Submission:

Labcorp Genetics (formerly Invitae), Labcorp
Classification: Uncertain significance. Last evaluated: 2022-05-18. Review status: criteria provided, single submitter. Criteria: Invitae Variant Classification Sherloc (09022015). Collection method: clinical testing. Allele origin: germline.
Comment: In summary, the available evidence is currently insufficient to determine the role of this variant in disease. Therefore, it has been classified as a Variant of Uncertain Significance. Algorithms developed to predict the effect of missense changes on protein structure and function are either unavailable or do not agree on the potential impact of this missense change (SIFT: "Tolerated"; PolyPhen-2: "Possibly Damaging"; Align-GVGD: "Class C0"). This variant has not been reported in the literature in individuals affected with KANK1-related conditions. This variant is not present in population databases (gnomAD no frequency). This sequence change replaces isoleucine, which is neutral and non-polar, with leucine, which is neutral and non-polar, at codon 347 of the KANK1 protein (p.Ile347Leu).